The following is an entry in ClinVar:

NM_001287.6(CLCN7):c.*496T>C

Gene: CLCN7 (chloride voltage-gated channel 7; minus strand). Cytogenetic location: 16p13.3.
Variant type: single nucleotide variant.
Coding change: c.*496T>C on transcript NM_001287.6 (MANE Select); 496 bases downstream of the stop codon, T replaced by C.
Molecular consequence: 3 prime UTR variant.
Genome position (GRCh38, 1-based): chr16:1,446,135, A>G on the plus strand (T>C on the coding strand, the complement: CLCN7 is on the minus strand). VCF-style: chr16-1446135-A-G. GRCh37 (hg19) VCF-style: chr16-1496136-A-G.
Other names: c.*496T>C (NM_001114331.3).
Identifiers: ClinVar variation 317932 (VCV000317932.6), dbSNP rs60516531, ClinGen allele CA10647019.
Genomic context (GRCh38, chr16:1,446,135, plus strand): 5'-CTCCGGGGCGGTCGCAGCCTCCAAACCCTGGTGCTACGAGTCCGTGCCTCAGGCCCAGGG[A>G]CCACAGGCCGTCTGCTCATGGCTGAAAATGAGGCCAAGCAGCTCCCAAGTCTCGAAGACT-3'

ClinVar aggregate classification (germline): Benign. Review status: criteria provided, multiple submitters, no conflicts (2 of 4 stars). 2 submissions from 2 submitters: Benign (2). Last evaluated 2018-01-13.

Conditions:
Osteopetrosis. Identifiers: Orphanet 2781, MedGen C0029454, MONDO:0017198, HP:0011002.

Allele frequency attached by ClinVar (database versions not stated): 1000 Genomes Project 0.00919; 1000 Genomes Project 30x 0.01046; gnomAD 0.00756 and 0.00800; gnomAD exomes 0.00089; TOPMed 0.00810.
gnomAD v4.1: 1,574 of 597,374 alleles (0.26%); highest among the groups gnomAD compares: African/African-American, 2.6%; 23 homozygotes.

Submissions (2):

Illumina Laboratory Services, Illumina
Classification: Benign for Osteopetrosis. Last evaluated: 2018-01-13. Review status: criteria provided, single submitter. Criteria: ICSL Variant Classification Criteria 13 December 2019. Collection method: clinical testing. Allele origin: germline.
Comment: This variant was observed in the ICSL laboratory as part of a predisposition screen in an ostensibly healthy population. It had not been previously curated by ICSL or reported in the Human Gene Mutation Database (HGMD: prior to June 1st, 2018), and was therefore a candidate for classification through an automated scoring system. Utilizing variant allele frequency, disease prevalence and penetrance estimates, and inheritance mode, an automated score was calculated to assess if this variant is too frequent to cause the disease. Based on the score and internal cut-off values, a variant classified as benign is not then subjected to further curation. The score for this variant resulted in a classification of benign for this disease.

Breakthrough Genomics
Classification: Benign. Review status: criteria provided, single submitter. Criteria: ACMG Guidelines, 2015. Collection method: not provided. Allele origin: germline. Inheritance: Autosomal recessive inheritance. Affected: yes.